The following is an entry in ClinVar:

ClinVar aggregate classification (germline): Benign/Likely benign. Review status: criteria provided, multiple submitters, no conflicts (2 of 4 stars). 4 submissions from 4 submitters: Benign (1); Likely benign (3). Last evaluated 2025-04-13.

Conditions:
Pheochromocytoma. Also called: MAX-Related Hereditary Paraganglioma-Pheochromocytoma Syndrome. Identifiers: Orphanet 29072, MedGen C0031511, MONDO:0008233, OMIM 171300, HP:0002666.
Paragangliomas with sensorineural hearing loss. Identifiers: MedGen C1868633.
Cowden syndrome 3 (CWS3). Identifiers: Orphanet 201, MedGen CN166604, MONDO:0014045.
Carney-Stratakis syndrome. Also called: PARAGANGLIOMA AND GASTROINTESTINAL STROMAL TUMOR. Identifiers: Orphanet 97286, MedGen C1847319, MONDO:0011740, OMIM 606864.
Hereditary cancer-predisposing syndrome. Also called: Neoplastic Syndromes, Hereditary; Hereditary Cancer Syndrome; Hereditary neoplastic syndrome; Tumor predisposition. Identifiers: Orphanet 140162, MedGen C0027672, MeSH D009386, MONDO:0015356.
Pheochromocytoma/paraganglioma syndrome 1. Also called: Glomus tumors familial 1; Paraganglioma - glomus jugulare; PARAGANGLIOMAS, FAMILIAL NONCHROMAFFIN, 1; PGL 1; Paragangliomas familial 1; SDHD-Related Hereditary Paraganglioma-Pheochromocytoma Syndrome. Identifiers: Orphanet 29072, MedGen C3494181, MONDO:0008192, OMIM 168000.

Allele frequency attached by ClinVar (database versions not stated): gnomAD 0.00001; gnomAD exomes 0.00001; ExAC 0.00002.
gnomAD v4.1: 4 of 1,614,022 alleles (0.00025%); highest among the groups gnomAD compares: Non-Finnish European, 0.00034%; no homozygotes.

Submissions (4):

Labcorp Genetics (formerly Invitae), Labcorp
Classification: Likely benign for Carney-Stratakis syndrome; Paragangliomas with sensorineural hearing loss; Pheochromocytoma; Cowden syndrome 3. Last evaluated: 2025-04-13. Review status: criteria provided, single submitter. Criteria: Invitae Variant Classification Sherloc (09022015). Collection method: clinical testing. Allele origin: germline.

Myriad Genetics, Inc.
Classification: Benign for Pheochromocytoma/paraganglioma syndrome 1. Last evaluated: 2025-03-17. Review status: criteria provided, single submitter. Criteria: Myriad Autosomal Dominant, Autosomal Recessive and X-Linked Classification Criteria (2023). Collection method: clinical testing. Allele origin: unknown.
Comment: This variant is considered benign. This variant is a silent/synonymous amino acid change and it is not expected to impact splicing.

Ambry Genetics
Classification: Likely benign for Hereditary cancer-predisposing syndrome. Last evaluated: 2022-09-21. Review status: criteria provided, single submitter. Criteria: Ambry Variant Classification Scheme 2023. Collection method: clinical testing. Allele origin: germline.

Blueprint Genetics
Classification: Likely benign. Last evaluated: 2020-06-15. Review status: criteria provided, single submitter. Criteria: ACMG Guidelines, 2015. Collection method: clinical testing. Allele origin: germline.

NM_003002.4(SDHD):c.264C>T (p.Cys88=)

Gene: SDHD (succinate dehydrogenase complex subunit D; plus strand). Cytogenetic location: 11q23.1.
Variant type: single nucleotide variant.
Coding change: c.264C>T on transcript NM_003002.4 (MANE Select); coding-DNA position 264, C replaced by T.
Protein change: p.Cys88=; no amino-acid change (cysteine 88 retained).
Molecular consequence: synonymous variant. On other transcripts: non-coding transcript variant (1), intron variant (1).
Genome position (GRCh38, 1-based): chr11:112,088,961, C>T. VCF-style: chr11-112088961-C-T. GRCh37 (hg19) VCF-style: chr11-111959685-C-T.
Other names: c.147C>T, p.Cys49= (NM_001276504.2); c.264C>T, p.Cys88= (NM_001276506.2); c.169+988C>T (NM_001276503.2).
Identifiers: ClinVar variation 1091749 (VCV001091749.14), dbSNP rs761615413, ClinGen allele CA070951.
Genomic context (GRCh38, chr11:112,088,961, plus strand): 5'-CGAGAGGGTTGTCAGTGTTTTGCTCCTGGGTCTGCTTCCGGCTGCTTATTTGAATCCTTG[C>T]TCTGCGATGGACTATTCCCTGGCTGCAGCCCTCACTCTTCATGGTCACTGGCAAGTATAG-3'
Protein context (NP_002993.1, residues 78-98): GLLPAAYLNP[Cys88=]SAMDYSLAAA